The following is an entry in ClinVar:

ClinVar aggregate classification (germline): Uncertain significance. Review status: criteria provided, multiple submitters, no conflicts (2 of 4 stars). 2 submissions from 2 submitters: Uncertain significance (2). Last evaluated 2019-06-20.

Conditions:
Developmental and epileptic encephalopathy, 66. Also called: EPILEPTIC ENCEPHALOPATHY, EARLY INFANTILE, 66. Identifiers: MedGen C4748070, MONDO:0054845, OMIM 618067.

Submissions (2):

Centre for Mendelian Genomics, University Medical Centre Ljubljana
Classification: Uncertain significance for Developmental and epileptic encephalopathy, 66. Last evaluated: 2019-06-20. Review status: criteria provided, single submitter. Criteria: ACMG Guidelines, 2015. Collection method: clinical testing. Allele origin: unknown. Affected: yes.
Comment: This variant was classified as: Uncertain significance. The available evidence on this variant's pathogenicity is insufficient or conflicting. The following ACMG criteria were applied in classifying this variant: PM2.

Breakthrough Genomics
Classification: Uncertain significance. Review status: criteria provided, single submitter. Criteria: ACMG Guidelines, 2015. Collection method: not provided. Allele origin: germline. Inheritance: Autosomal dominant inheritance. Affected: yes.

NM_001100913.3(PACS2):c.2218T>A (p.Ser740Thr)

Gene: PACS2 (phosphofurin acidic cluster sorting protein 2; plus strand). Cytogenetic location: 14q32.33.
Variant type: single nucleotide variant.
Coding change: c.2218T>A on transcript NM_001100913.3 (MANE Select); coding-DNA position 2218, T replaced by A.
Protein change: p.Ser740Thr; replaces serine 740 with threonine.
Molecular consequence: missense variant.
Genome position (GRCh38, 1-based): chr14:105,391,729, T>A. VCF-style: chr14-105391729-T-A. GRCh37 (hg19) VCF-style: chr14-105858066-T-A.
Other names: c.1948T>A, p.Ser650Thr (NM_001243127.3); c.2173T>A, p.Ser725Thr (NM_015197.4); short protein forms S740T, S650T, S725T.
Identifiers: ClinVar variation 931044 (VCV000931044.4), dbSNP rs2081364319, ClinGen allele CA391185982.